The following is an entry in ClinVar:

ClinVar aggregate classification (germline): Uncertain significance (1 of 4 stars; one submission).

Allele frequency attached by ClinVar (database versions not stated): ExAC 0.00001; gnomAD exomes 0.00001.

Submission:

Labcorp Genetics (formerly Invitae), Labcorp
Classification: Uncertain significance. Last evaluated: 2025-08-14. Review status: criteria provided, single submitter. Criteria: Invitae Variant Classification Sherloc (09022015). Collection method: clinical testing. Allele origin: germline.
Comment: This sequence change replaces lysine, which is basic and polar, with threonine, which is neutral and polar, at codon 617 of the DLL1 protein (p.Lys617Thr). This variant is present in population databases (rs754655881, gnomAD 0.006%). This variant has not been reported in the literature in individuals affected with DLL1-related conditions. ClinVar contains an entry for this variant (Variation ID: 2085017). An algorithm developed to predict the effect of missense changes on protein structure and function (PolyPhen-2) suggests that this variant is likely to be disruptive. In summary, the available evidence is currently insufficient to determine the role of this variant in disease. Therefore, it has been classified as a Variant of Uncertain Significance.

NM_005618.4(DLL1):c.1850A>C (p.Lys617Thr)

Gene: DLL1 (delta like canonical Notch ligand 1; minus strand). Cytogenetic location: 6q27.
Variant type: single nucleotide variant.
Coding change: c.1850A>C on transcript NM_005618.4 (MANE Select); coding-DNA position 1850, A replaced by C.
Protein change: p.Lys617Thr; replaces lysine 617 with threonine.
Molecular consequence: missense variant.
Genome position (GRCh38, 1-based): chr6:170,283,429, T>G on the plus strand (A>C on the coding strand, the complement: DLL1 is on the minus strand). VCF-style: chr6-170283429-T-G. GRCh37 (hg19) VCF-style: chr6-170592517-T-G.
Other names: short protein forms K617T.
Identifiers: ClinVar variation 2085017 (VCV002085017.4), dbSNP rs754655881, ClinGen allele CA4106708.